The following is an entry in ClinVar:

NM_006506.5(RASA2):c.2016T>C (p.Asn672=)

Gene: RASA2 (RAS p21 protein activator 2; plus strand). Cytogenetic location: 3q23.
Variant type: single nucleotide variant.
Coding change: c.2016T>C on transcript NM_006506.5 (MANE Select); coding-DNA position 2016, T replaced by C.
Protein change: p.Asn672=; no amino-acid change (asparagine 672 retained).
Molecular consequence: synonymous variant.
Genome position (GRCh38, 1-based): chr3:141,607,760, T>C. VCF-style: chr3-141607760-T-C. GRCh37 (hg19) VCF-style: chr3-141326602-T-C.
Other names: c.2019T>C, p.Asn673= (NM_001303245.3); c.2028T>C, p.Asn676= (NM_001303246.3).
Identifiers: ClinVar variation 496321 (VCV000496321.15), dbSNP rs295322, ClinGen allele CA2645701.
Genomic context (GRCh38, chr3:141,607,760, plus strand): 5'-CCCAGTAAAAAACATTCTTGCTGTGGAAAAACTGGAAGAGAGCTCTTTCAACAAGAAAAA[T>C]GTAAGTTATGTAAATAAATATTTAAAGCTTTCTGAACTGCATATATTACTTAAGTATTTG-3'
Protein context (NP_006497.2, residues 662-682): KLEESSFNKK[Asn672=]MFQVIHTEKP

ClinVar aggregate classification (germline): Benign. Review status: criteria provided, multiple submitters, no conflicts (2 of 4 stars). 5 submissions from 5 submitters: Benign (5). Last evaluated 2026-02-04.

Allele frequency attached by ClinVar (database versions not stated): gnomAD exomes 0.08355 and 0.12286; ESP Exome Variant Server 0.11403; gnomAD 0.12892 and 0.12953; ExAC 0.13981; TOPMed 0.14606; 1000 Genomes Project 0.17332; 1000 Genomes Project 30x 0.17723.
gnomAD v4.1: 138,653 of 1,573,360 alleles (8.8%); highest among the groups gnomAD compares: Admixed American, 27%; 9,121 homozygotes.

Submissions 1 to 29 of 50:

Labcorp Genetics (formerly Invitae), Labcorp
Classification: Benign. Last evaluated: 2026-02-04. Review status: criteria provided, single submitter. Criteria: Invitae Variant Classification Sherloc (09022015). Collection method: clinical testing. Allele origin: germline.

Blueprint Genetics
Classification: Benign. Last evaluated: 2024-11-26. Review status: criteria provided, single submitter. Criteria: ACMG Guidelines, 2015. Collection method: clinical testing. Allele origin: germline.

GeneDx
Classification: Benign. Last evaluated: 2018-07-16. Review status: criteria provided, single submitter. Criteria: GeneDx Variant Classification Process June 2021. Collection method: clinical testing. Allele origin: germline. Affected: yes.

Women's Health and Genetics/Laboratory Corporation of America, LabCorp
Classification: Benign. Last evaluated: 2017-07-04. Review status: criteria provided, single submitter. Criteria: LabCorp Variant Classification Summary - May 2015. Collection method: clinical testing. Allele origin: germline.
Comment: Variant summary: The RASA2 c.2016T>C (p.Asn672Asn) variant involves the alteration of a non-conserved nucleotide, resulting in a synonymous change. It is located at the end of exon 20. Mutation taster predicts as a polymorphism for this variant. In addition, 5/5 splice prediction tools predict no significant impact on normal splicing. ESE finder predicts that this variant may affect ESE site of SRp55. However, these predictions have yet to be confirmed by functional studies. This variant was found in 13385/95734 control chromosomes (1243 homozygotes) at a frequency of 0.1398145, which is approximately 27963 times the estimated maximal expected allele frequency of a pathogenic RASA2 variant (0.000005), suggesting this variant is a common benign polymorphism. The variant of interest has not, to our knowledge, been reported in affected individuals via publications and/or reputable databases/clinical diagnostic laboratories. Taken together, this variant is classified as benign.

Breakthrough Genomics
Classification: Benign. Review status: criteria provided, single submitter. Criteria: ACMG Guidelines, 2015. Collection method: not provided. Allele origin: germline. Inheritance: Unknown mechanism. Affected: yes.

Dr. Peter K. Rogan Lab, Western University
No classification provided (evidence only). Condition: Acute myeloid leukemia. Review status: no classification provided. Collection method: in vitro. Allele origin: not applicable. Functional consequence: retained intron. Not counted in ClinVar's aggregate classification.

Dr. Peter K. Rogan Lab, Western University
No classification provided (evidence only). Condition: Acute myeloid leukemia. Review status: no classification provided. Collection method: in vitro. Allele origin: not applicable. Functional consequence: retained intron. Not counted in ClinVar's aggregate classification.

Dr. Peter K. Rogan Lab, Western University
No classification provided (evidence only). Condition: Acute myeloid leukemia. Review status: no classification provided. Collection method: in vitro. Allele origin: not applicable. Functional consequence: retained intron. Not counted in ClinVar's aggregate classification.

Dr. Peter K. Rogan Lab, Western University
No classification provided (evidence only). Condition: Acute myeloid leukemia. Review status: no classification provided. Collection method: in vitro. Allele origin: not applicable. Functional consequence: retained intron. Not counted in ClinVar's aggregate classification.

Dr. Peter K. Rogan Lab, Western University
No classification provided (evidence only). Condition: Acute myeloid leukemia. Review status: no classification provided. Collection method: in vitro. Allele origin: not applicable. Functional consequence: retained intron. Not counted in ClinVar's aggregate classification.

Dr. Peter K. Rogan Lab, Western University
No classification provided (evidence only). Condition: Acute myeloid leukemia. Review status: no classification provided. Collection method: in vitro. Allele origin: not applicable. Functional consequence: retained intron. Not counted in ClinVar's aggregate classification.

Dr. Peter K. Rogan Lab, Western University
No classification provided (evidence only). Condition: Acute myeloid leukemia. Review status: no classification provided. Collection method: in vitro. Allele origin: not applicable. Functional consequence: retained intron. Not counted in ClinVar's aggregate classification.

Dr. Peter K. Rogan Lab, Western University
No classification provided (evidence only). Condition: Acute myeloid leukemia. Review status: no classification provided. Collection method: in vitro. Allele origin: not applicable. Functional consequence: retained intron. Not counted in ClinVar's aggregate classification.

Dr. Peter K. Rogan Lab, Western University
No classification provided (evidence only). Condition: Acute myeloid leukemia. Review status: no classification provided. Collection method: in vitro. Allele origin: not applicable. Functional consequence: retained intron. Not counted in ClinVar's aggregate classification.

Dr. Peter K. Rogan Lab, Western University
No classification provided (evidence only). Condition: Colorectal cancer. Review status: no classification provided. Collection method: in vitro. Allele origin: not applicable. Functional consequence: retained intron. Not counted in ClinVar's aggregate classification.

Dr. Peter K. Rogan Lab, Western University
No classification provided (evidence only). Condition: Colorectal cancer. Review status: no classification provided. Collection method: in vitro. Allele origin: not applicable. Functional consequence: retained intron. Not counted in ClinVar's aggregate classification.

Dr. Peter K. Rogan Lab, Western University
No classification provided (evidence only). Condition: Colorectal cancer. Review status: no classification provided. Collection method: in vitro. Allele origin: not applicable. Functional consequence: retained intron. Not counted in ClinVar's aggregate classification.

Dr. Peter K. Rogan Lab, Western University
No classification provided (evidence only). Condition: Colorectal cancer. Review status: no classification provided. Collection method: in vitro. Allele origin: not applicable. Functional consequence: retained intron. Not counted in ClinVar's aggregate classification.

Dr. Peter K. Rogan Lab, Western University
No classification provided (evidence only). Condition: Malignant lymphoma, large B-cell, diffuse. Review status: no classification provided. Collection method: in vitro. Allele origin: not applicable. Functional consequence: retained intron. Not counted in ClinVar's aggregate classification.

Dr. Peter K. Rogan Lab, Western University
No classification provided (evidence only). Condition: Uveal melanoma. Review status: no classification provided. Collection method: in vitro. Allele origin: not applicable. Functional consequence: retained intron. Not counted in ClinVar's aggregate classification.

Dr. Peter K. Rogan Lab, Western University
No classification provided (evidence only). Condition: Chronic lymphocytic leukemia/small lymphocytic lymphoma. Review status: no classification provided. Collection method: in vitro. Allele origin: not applicable. Functional consequence: retained intron. Not counted in ClinVar's aggregate classification.

Dr. Peter K. Rogan Lab, Western University
No classification provided (evidence only). Condition: Chronic lymphocytic leukemia/small lymphocytic lymphoma. Review status: no classification provided. Collection method: in vitro. Allele origin: not applicable. Functional consequence: retained intron. Not counted in ClinVar's aggregate classification.

Dr. Peter K. Rogan Lab, Western University
No classification provided (evidence only). Condition: Chronic lymphocytic leukemia/small lymphocytic lymphoma. Review status: no classification provided. Collection method: in vitro. Allele origin: not applicable. Functional consequence: retained intron. Not counted in ClinVar's aggregate classification.

Dr. Peter K. Rogan Lab, Western University
No classification provided (evidence only). Condition: Chronic lymphocytic leukemia/small lymphocytic lymphoma. Review status: no classification provided. Collection method: in vitro. Allele origin: not applicable. Functional consequence: retained intron. Not counted in ClinVar's aggregate classification.

Dr. Peter K. Rogan Lab, Western University
No classification provided (evidence only). Condition: Chronic lymphocytic leukemia/small lymphocytic lymphoma. Review status: no classification provided. Collection method: in vitro. Allele origin: not applicable. Functional consequence: retained intron. Not counted in ClinVar's aggregate classification.

Dr. Peter K. Rogan Lab, Western University
No classification provided (evidence only). Condition: Chronic lymphocytic leukemia/small lymphocytic lymphoma. Review status: no classification provided. Collection method: in vitro. Allele origin: not applicable. Functional consequence: retained intron. Not counted in ClinVar's aggregate classification.

Dr. Peter K. Rogan Lab, Western University
No classification provided (evidence only). Condition: Chronic lymphocytic leukemia/small lymphocytic lymphoma. Review status: no classification provided. Collection method: in vitro. Allele origin: not applicable. Functional consequence: retained intron. Not counted in ClinVar's aggregate classification.

Dr. Peter K. Rogan Lab, Western University
No classification provided (evidence only). Condition: Nonpapillary renal cell carcinoma. Review status: no classification provided. Collection method: in vitro. Allele origin: not applicable. Functional consequence: retained intron. Not counted in ClinVar's aggregate classification.

Dr. Peter K. Rogan Lab, Western University
No classification provided (evidence only). Condition: Nonpapillary renal cell carcinoma. Review status: no classification provided. Collection method: in vitro. Allele origin: not applicable. Functional consequence: retained intron. Not counted in ClinVar's aggregate classification.